The following is an entry in ClinVar:

NM_000070.3(CAPN3):c.2440-2A>G

Gene: CAPN3 (calpain 3; plus strand). Cytogenetic location: 15q15.1.
Variant type: single nucleotide variant.
Coding change: c.2440-2A>G on transcript NM_000070.3 (MANE Select); the canonical splice acceptor site of the intron before coding-DNA position 2440, A replaced by G.
Molecular consequence: splice acceptor variant.
Genome position (GRCh38, 1-based): chr15:42,411,745, A>G. VCF-style: chr15-42411745-A-G. GRCh37 (hg19) VCF-style: chr15-42703943-A-G.
Other names: c.2422-2A>G (NM_024344.2); c.2164-2A>G (NM_173087.2); c.904-2A>G (NM_173088.2); c.445-2A>G (NM_173090.2, NM_173089.2).
Identifiers: ClinVar variation 446979 (VCV000446979.5), dbSNP rs769688710, ClinGen allele CA7511915.

ClinVar aggregate classification (germline): Conflicting classifications of pathogenicity. Review status: criteria provided, conflicting classifications (1 of 4 stars). 3 submissions from 3 submitters: Pathogenic (1); Likely pathogenic (1); Uncertain significance (1). Last evaluated 2023-10-14.

Conditions:
Muscular dystrophy, limb-girdle, autosomal dominant 4. Also called: Calpain-3-related limb-girdle muscular dystrophy D4; MUSCULAR DYSTROPHY, LIMB-GIRDLE, TYPE 1I. Identifiers: Orphanet 565909, MedGen C4748295, MONDO:0029133, OMIM 618129.
Autosomal recessive limb-girdle muscular dystrophy type 2A (LGMDR1). Also called: LEYDEN-MOEBIUS MUSCULAR DYSTROPHY; MUSCULAR DYSTROPHY, PELVOFEMORAL; Limb-girdle muscular dystrophy, type 2A; Muscular dystrophy, limb-girdle, type 2A, Amish; Calpainopathy. Identifiers: Orphanet 267, MedGen C1869123, MONDO:0009675, OMIM 253600. Disease mechanism: loss of function.

Allele frequency attached by ClinVar (database versions not stated): gnomAD exomes below 0.00001; ExAC 0.00001.

Submissions (3):

Labcorp Genetics (formerly Invitae), Labcorp
Classification: Pathogenic for Autosomal recessive limb-girdle muscular dystrophy type 2A. Last evaluated: 2023-10-14. Review status: criteria provided, single submitter. Criteria: Invitae Variant Classification Sherloc (09022015). Collection method: clinical testing. Allele origin: germline.
Comment: This sequence change affects an acceptor splice site in intron 23 of the CAPN3 gene. While this variant is not anticipated to result in nonsense mediated decay, it likely alters RNA splicing and results in a disrupted protein product. This variant is present in population databases (rs769688710, gnomAD 0.004%). Disruption of this splice site has been observed in individual(s) with limb-girdle muscular dystrophy (PMID: 26886200; Invitae). In at least one individual the data is consistent with being in trans (on the opposite chromosome) from a pathogenic variant. ClinVar contains an entry for this variant (Variation ID: 446979). Variants that disrupt the consensus splice site are a relatively common cause of aberrant splicing (PMID: 17576681, 9536098). Algorithms developed to predict the effect of sequence changes on RNA splicing suggest that this variant may disrupt the consensus splice site. For these reasons, this variant has been classified as Pathogenic.

Kariminejad - Najmabadi Pathology & Genetics Center
Classification: Uncertain significance for Muscular dystrophy, limb-girdle, autosomal dominant 4; Autosomal recessive limb-girdle muscular dystrophy type 2A. Last evaluated: 2021-02-08. Review status: criteria provided, single submitter. Criteria: ACMG Guidelines, 2015. Collection method: clinical testing. Allele origin: germline. Inheritance: Autosomal recessive inheritance. Affected: yes.
Comment: PM2, PVS1_Moderate, PP5

Athena Diagnostics
Classification: Likely pathogenic. Last evaluated: 2016-08-09. Review status: criteria provided, single submitter. Criteria: Athena Diagnostics Criteria. Collection method: clinical testing. Allele origin: germline.

Literature cited by the submitters: PubMed 26886200 (cited by Labcorp Genetics (formerly Invitae), Labcorp); PubMed 17576681 (cited by Labcorp Genetics (formerly Invitae), Labcorp); PubMed 9536098 (cited by Labcorp Genetics (formerly Invitae), Labcorp).